The following is an entry in ClinVar:

NM_052947.4(ALPK2):c.5113G>C (p.Val1705Leu)

Genes: ALPK2 (alpha kinase 2; minus strand), LOC130062577 (ATAC-STARR-seq lymphoblastoid active region 13389; plus strand). Cytogenetic location: 18q21.31.
Variant type: single nucleotide variant.
Coding change: c.5113G>C on transcript NM_052947.4 (MANE Select); coding-DNA position 5113, G replaced by C.
Protein change: p.Val1705Leu; replaces valine 1705 with leucine.
Molecular consequence: missense variant.
Genome position (GRCh38, 1-based): chr18:58,535,074, C>G on the plus strand (G>C on the coding strand, the complement: ALPK2 is on the minus strand). VCF-style: chr18-58535074-C-G. GRCh37 (hg19) VCF-style: chr18-56202306-C-G.
Other names: short protein forms V1705L.
Identifiers: ClinVar variation 1745426 (VCV001745426.2), dbSNP rs2051636288, ClinGen allele CA402558107.
Genomic context (GRCh38, chr18:58,535,074, plus strand): 5'-CAGCTAAATGTCCACTGCCTGGGGCTTCTGGCTTCCTCTTGACCTCCTCTGACCCCGTCA[C>G]TGCTGTGAGGGTCCCTGGCGATTTGCCTGCTCGGGCTTCCAGGGACTTCTCTCTCTCCCT-3'
Protein context (NP_443179.3, residues 1695-1715): AGKSPGTLTA[Val1705Leu]TGSEEVKRKP

ClinVar aggregate classification (germline): Uncertain significance (1 of 4 stars; one submission).

Submission:

Ambry Genetics
Classification: Uncertain significance. Last evaluated: 2022-10-12. Review status: criteria provided, single submitter. Criteria: Ambry Variant Classification Scheme 2023. Collection method: clinical testing. Allele origin: germline.
Comment: The p.V1705L variant (also known as c.5113G>C), located in coding exon 4 of the ALPK2 gene, results from a G to C substitution at nucleotide position 5113. The valine at codon 1705 is replaced by leucine, an amino acid with highly similar properties. This amino acid position is conserved. In addition, this alteration is predicted to be tolerated by in silico analysis. Since supporting evidence is limited at this time, the clinical significance of this alteration remains unclear.